The following is an entry in ClinVar:

ClinVar aggregate classification (germline): Likely benign (1 of 4 stars; one submission).

Conditions:
TTN-related disorder. Also called: TTN-related disorders; TTN-related condition; TTN-related disease.

gnomAD v4.1: 12 of 1,612,866 alleles (0.00074%); highest among the groups gnomAD compares: African/African-American, 0.0013%; no homozygotes.

Submission:

PreventionGenetics, part of Exact Sciences
Classification: Likely benign for TTN-related condition. Last evaluated: 2025-08-05. Review status: criteria provided, single submitter. Criteria: ACMG Guidelines, 2015. Collection method: clinical testing. Allele origin: germline.
Comment: This variant is classified as likely benign based on ACMG/AMP sequence variant interpretation guidelines (Richards et al. 2015 PMID: 25741868, with internal and published modifications).

NM_001267550.2(TTN):c.32259T>C (p.Tyr10753=)

Gene: TTN (titin; minus strand). Cytogenetic location: 2q31.2.
Variant type: single nucleotide variant.
Coding change: c.32259T>C on transcript NM_001267550.2 (MANE Select); coding-DNA position 32259, T replaced by C.
Protein change: p.Tyr10753=; no amino-acid change (tyrosine 10753 retained).
Molecular consequence: synonymous variant. On other transcripts: intron variant (3).
Genome position (GRCh38, 1-based): chr2:178,688,163, A>G on the plus strand (T>C on the coding strand, the complement: TTN is on the minus strand). VCF-style: chr2-178688163-A-G. GRCh37 (hg19) VCF-style: chr2-179552890-A-G.
Other names: c.31308T>C, p.Tyr10436= (NM_001256850.1); c.28527T>C, p.Tyr9509= (NM_133378.4); c.13283-45846T>C (NM_003319.4); c.13859-45846T>C (NM_133437.4); c.13658-45846T>C (NM_133432.3).
Identifiers: ClinVar variation 4986494 (VCV004986494.1).